The following is an entry in ClinVar:

NM_007055.4(POLR3A):c.3655G>T (p.Gly1219Ter)

Gene: POLR3A (RNA polymerase III subunit A; minus strand). Cytogenetic location: 10q22.3.
Variant type: single nucleotide variant.
Coding change: c.3655G>T on transcript NM_007055.4 (MANE Select); coding-DNA position 3655, G replaced by T.
Protein change: p.Gly1219Ter; replaces glycine 1219 with a stop codon.
Molecular consequence: nonsense.
Genome position (GRCh38, 1-based): chr10:77,982,258, C>A on the plus strand (G>T on the coding strand, the complement: POLR3A is on the minus strand). VCF-style: chr10-77982258-C-A. GRCh37 (hg19) VCF-style: chr10-79742016-C-A.
Other names: NM_007055.4(POLR3A):c.3655G>T; p.Gly1219Ter; c.3655G>T (NM_007055.3); short protein forms G1219*.
Identifiers: ClinVar variation 988361 (VCV000988361.7), dbSNP rs755978559, ClinGen allele CA5570757.
Genomic context (GRCh38, chr10:77,982,258, plus strand): 5'-GTGTGGCCATGACTGCCCGCAGGTTATCACCTTCCACCAGAAGCTTGTACTTCTCCTTTC[C>A]ACTCTGCTCGTCAATGTGGATGACAGCTCTGGACACCTCTGGAATGCCCTGCACCACCAC-3'

ClinVar aggregate classification (germline): Pathogenic/Likely pathogenic. Review status: criteria provided, multiple submitters, no conflicts (2 of 4 stars). 4 submissions from 4 submitters: Pathogenic (3); Likely pathogenic (1). Last evaluated 2026-03-01.

Conditions:
Leukodystrophy. Identifiers: Orphanet 68356, MedGen C0023520, MONDO:0019046, HP:0002415.

Allele frequency attached by ClinVar (database versions not stated): gnomAD exomes 0.00001; gnomAD 0.00001; ExAC 0.00002; TOPMed 0.00002.
gnomAD v4.1: 11 of 1,613,854 alleles (0.00068%); highest among the groups gnomAD compares: Non-Finnish European, 0.00085%; no homozygotes.

Submissions (4):

GeneDx
Classification: Pathogenic. Last evaluated: 2026-03-01. Review status: criteria provided, single submitter. Criteria: GeneDx Variant Classification Process June 2021. Collection method: clinical testing. Allele origin: germline.
Comment: Nonsense variant predicted to result in protein truncation or nonsense mediated decay in a gene for which loss of function is a known mechanism of disease; Not observed at significant frequency in large population cohorts (gnomAD); This variant is associated with the following publications: (PMID: 37273706, 33726816, 30847471)

Broad Center for Mendelian Genomics, Broad Institute of MIT and Harvard
Classification: Pathogenic for Leukodystrophy. Last evaluated: 2023-01-24. Review status: criteria provided, single submitter. Criteria: ACMG Guidelines, 2015. Collection method: curation. Allele origin: germline. Inheritance: Autosomal recessive inheritance.
Comment: The p.Gly1219Ter variant in POLR3A has been reported in 8 individuals with POLR3A-related disorders, segregated with disease in 2 affected relatives from 2 families (PMID: 30847471), and has been identified in 0.003% (3/113580) of European (Non-Finnish) chromosomes by the Genome Aggregation Database (gnomAD; dbSNP ID: rs755978559). Although this variant has been seen in the general population in a heterozygous state, its frequency is low enough to be consistent with a recessive carrier frequency. This variant has also been reported in ClinVar (Variation ID: 988361) and has been interpreted as likely pathogenic by Clinical Genetics Karolinska University Hospital (Karolinska University Hospital). Of the 8 affected individuals, all were compound heterozygotes that carried a reported pathogenic variant in trans, which increases the likelihood that the p.Gly1219Ter variant is pathogenic (VariationID: 445922; PMID: 30847471). This nonsense variant leads to a premature termination codon at position 1219, which is predicted to lead to a truncated or absent protein. Loss of function of the POLR3A gene is an established disease mechanism in autosomal recessive POLR3A-related disorders. In summary, this variant meets criteria to be classified as pathogenic for autosomal recessive POLR3A-related disorders. ACMG/AMP Criteria applied: PVS1, PM3_very-strong, PP1, PM2_supporting (Richards 2015).

Labcorp Genetics (formerly Invitae), Labcorp
Classification: Pathogenic. Last evaluated: 2022-02-20. Review status: criteria provided, single submitter. Criteria: Invitae Variant Classification Sherloc (09022015). Collection method: clinical testing. Allele origin: germline.
Comment: This sequence change creates a premature translational stop signal (p.Gly1219*) in the POLR3A gene. It is expected to result in an absent or disrupted protein product. Loss-of-function variants in POLR3A are known to be pathogenic (PMID: 21855841, 25339210, 27612211, 30414627, 30450527). This variant is present in population databases (rs755978559, gnomAD 0.003%). This premature translational stop signal has been observed in individual(s) with hereditary ataxia and spastic paraparesis (PMID: 30847471). ClinVar contains an entry for this variant (Variation ID: 988361). For these reasons, this variant has been classified as Pathogenic.

Clinical Genetics and Genomics, Karolinska University Hospital
Classification: Likely pathogenic. Last evaluated: 2016-01-12. Review status: criteria provided, single submitter. Criteria: ACMG Guidelines, 2015. Collection method: clinical testing. Allele origin: germline. Affected: yes. Observed: 1 variant allele.

Literature cited by the submitters: PubMed 21855841 (cited by Labcorp Genetics (formerly Invitae), Labcorp); PubMed 25339210 (cited by Labcorp Genetics (formerly Invitae), Labcorp); PubMed 27612211 (cited by Labcorp Genetics (formerly Invitae), Labcorp); PubMed 30414627 (cited by Labcorp Genetics (formerly Invitae), Labcorp); PubMed 30450527 (cited by Labcorp Genetics (formerly Invitae), Labcorp); PubMed 30847471 (cited by Labcorp Genetics (formerly Invitae), Labcorp).